The following is an entry in ClinVar:

NM_001303052.2(MYT1L):c.1468C>T (p.Pro490Ser)

Gene: MYT1L (myelin transcription factor 1 like; minus strand). Cytogenetic location: 2p25.3.
Variant type: single nucleotide variant.
Coding change: c.1468C>T on transcript NM_001303052.2 (MANE Select); coding-DNA position 1468, C replaced by T.
Protein change: p.Pro490Ser; replaces proline 490 with serine.
Molecular consequence: missense variant.
Genome position (GRCh38, 1-based): chr2:1,922,301, G>A on the plus strand (C>T on the coding strand, the complement: MYT1L is on the minus strand). VCF-style: chr2-1922301-G-A. GRCh37 (hg19) VCF-style: chr2-1926073-G-A.
Other names: c.1468C>T (NM_015025.2); c.1468C>T, p.Pro490Ser (NM_001329844.2, NM_001329845.1, NM_001329846.3 and 6 more transcripts); short protein forms P490S.
Identifiers: ClinVar variation 2650627 (VCV002650627.25), dbSNP rs756143337, ClinGen allele CA1514243.

ClinVar aggregate classification (germline): Conflicting classifications of pathogenicity. Review status: criteria provided, conflicting classifications (1 of 4 stars). 2 submissions from 2 submitters: Uncertain significance (1); Likely benign (1). Last evaluated 2022-05-01.

Conditions:
Inborn genetic diseases. Identifiers: MedGen C0950123, MeSH D030342.

Allele frequency attached by ClinVar (database versions not stated): gnomAD 0.00004; ExAC 0.00009; TOPMed 0.00010; gnomAD exomes 0.00012.
gnomAD v4.1: 174 of 1,613,576 alleles (0.011%); highest among the groups gnomAD compares: Non-Finnish European, 0.014%; no homozygotes.

Submissions (2):

Ambry Genetics
Classification: Likely benign for Inborn genetic diseases. Last evaluated: 2022-05-01. Review status: criteria provided, single submitter. Criteria: Ambry Variant Classification Scheme 2023. Collection method: clinical testing. Allele origin: germline.

CeGaT Center for Human Genetics Tuebingen
Classification: Uncertain significance. Last evaluated: 2022-05-01. Review status: criteria provided, single submitter. Criteria: CeGaT Center For Human Genetics Tuebingen Variant Classification Criteria Version 2. Collection method: clinical testing. Allele origin: germline. Affected: yes. Observed: 1 variant allele.
Comment: MYT1L: PP2